The following is an entry in ClinVar:

ClinVar aggregate classification (germline): Likely benign (1 of 4 stars; one submission).

Allele frequency attached by ClinVar (database versions not stated): gnomAD 0.00003; ExAC 0.00004; ESP Exome Variant Server 0.00008; 1000 Genomes Project 30x 0.00016; 1000 Genomes Project 0.00040.
gnomAD v4.1: 47 of 1,613,922 alleles (0.0029%); highest among the groups gnomAD compares: African/African-American, 0.0093%; no homozygotes.

Submission:

CeGaT Center for Human Genetics Tuebingen
Classification: Likely benign. Last evaluated: 2023-01-01. Review status: criteria provided, single submitter. Criteria: CeGaT Center For Human Genetics Tuebingen Variant Classification Criteria Version 2. Collection method: clinical testing. Allele origin: germline. Affected: yes. Observed: 1 variant allele.
Comment: FLG: BP4, BP7

NM_002016.2(FLG):c.6651C>T (p.Ala2217=)

Genes: CCDST (cervical cancer associated DHX9 suppressive transcript; plus strand), FLG (filaggrin; minus strand). Cytogenetic location: 1q21.3.
Variant type: single nucleotide variant.
Coding change: c.6651C>T on transcript NM_002016.2 (MANE Select); coding-DNA position 6651, C replaced by T.
Protein change: p.Ala2217=; no amino-acid change (alanine 2217 retained).
Molecular consequence: synonymous variant.
Genome position (GRCh38, 1-based): chr1:152,308,235, G>A on the plus strand (C>T on the coding strand, the complement: FLG is on the minus strand). VCF-style: chr1-152308235-G-A. GRCh37 (hg19) VCF-style: chr1-152280711-G-A.
Identifiers: ClinVar variation 2639276 (VCV002639276.24), dbSNP rs370184374, ClinGen allele CA1105129.